The following is an entry in ClinVar:

ClinVar aggregate classification (germline): Uncertain significance. Review status: criteria provided, multiple submitters, no conflicts (2 of 4 stars). 3 submissions from 3 submitters: Uncertain significance (3). Last evaluated 2024-11-19.

Conditions:
Hereditary cancer-predisposing syndrome. Also called: Tumor predisposition; Hereditary neoplastic syndrome; Neoplastic Syndromes, Hereditary; Hereditary Cancer Syndrome. Identifiers: Orphanet 140162, MedGen C0027672, MeSH D009386, MONDO:0015356.
Retinoblastoma (RB1). Also called: RETINOBLASTOMA, SOMATIC. Identifiers: Orphanet 790, MedGen C0035335, MeSH D012175, MONDO:0008380, OMIM 180200, HP:0009919. Disease mechanism: loss of function. Inheritance: Both sporadic and heritable forms are tested..

Allele frequency attached by ClinVar (database versions not stated): gnomAD exomes 0.00001.
gnomAD v4.1: 3 of 1,610,118 alleles (0.00019%); highest among the groups gnomAD compares: Non-Finnish European, 0.00025%; no homozygotes.

Submissions (3):

Labcorp Genetics (formerly Invitae), Labcorp
Classification: Uncertain significance for Retinoblastoma. Last evaluated: 2024-11-19. Review status: criteria provided, single submitter. Criteria: Invitae Variant Classification Sherloc (09022015). Collection method: clinical testing. Allele origin: germline.
Comment: This sequence change replaces asparagine, which is neutral and polar, with threonine, which is neutral and polar, at codon 505 of the RB1 protein (p.Asn505Thr). This variant is not present in population databases (gnomAD no frequency). This variant has not been reported in the literature in individuals affected with RB1-related conditions. ClinVar contains an entry for this variant (Variation ID: 950221). Invitae Evidence Modeling of protein sequence and biophysical properties (such as structural, functional, and spatial information, amino acid conservation, physicochemical variation, residue mobility, and thermodynamic stability) has been performed for this missense variant. However, the output from this modeling did not meet the statistical confidence thresholds required to predict the impact of this variant on RB1 protein function. In summary, the available evidence is currently insufficient to determine the role of this variant in disease. Therefore, it has been classified as a Variant of Uncertain Significance.

Ambry Genetics
Classification: Uncertain significance for Hereditary cancer-predisposing syndrome. Last evaluated: 2024-04-06. Review status: criteria provided, single submitter. Criteria: Ambry Variant Classification Scheme 2023. Collection method: clinical testing. Allele origin: germline.
Comment: The p.N505T variant (also known as c.1514A>C), located in coding exon 17 of the RB1 gene, results from an A to C substitution at nucleotide position 1514. The asparagine at codon 505 is replaced by threonine, an amino acid with similar properties. This amino acid position is conserved. In addition, this alteration is predicted to be tolerated by in silico analysis. Since supporting evidence is limited at this time, the clinical significance of this alteration remains unclear.

All of Us Research Program, National Institutes of Health
Classification: Uncertain significance for Retinoblastoma. Last evaluated: 2023-06-08. Review status: criteria provided, single submitter. Criteria: ACMG Guidelines, 2015. Collection method: clinical testing. Allele origin: germline. Inheritance: Autosomal dominant inheritance. Observed: 1 variant allele, 1 heterozygote.
Comment: This missense variant replaces asparagine with threonine at codon 505 of the RB1 protein. Computational prediction suggests that this variant may not impact protein structure and function (internally defined REVEL score threshold <= 0.5, PMID: 27666373). To our knowledge, functional studies have not been reported for this variant. This variant has not been reported in individuals affected with RB1-related disorders in the literature. This variant has not been identified in the general population by the Genome Aggregation Database (gnomAD). The available evidence is insufficient to determine the role of this variant in disease conclusively. Therefore, this variant is classified as a Variant of Uncertain Significance.

This study involves interpretation of variants in research participants for the purpose of population health screening. Participant phenotype was not available at the time of variant classification. Additional details can be found in publication PMID: 35346344, PMCID: PMC8962531

NM_000321.3(RB1):c.1514A>C (p.Asn505Thr)

Gene: RB1 (RB transcriptional corepressor 1; plus strand). Cytogenetic location: 13q14.2.
Variant type: single nucleotide variant.
Coding change: c.1514A>C on transcript NM_000321.3 (MANE Select); coding-DNA position 1514, A replaced by C.
Protein change: p.Asn505Thr; replaces asparagine 505 with threonine.
Molecular consequence: missense variant.
Genome position (GRCh38, 1-based): chr13:48,381,262, A>C. VCF-style: chr13-48381262-A-C. GRCh37 (hg19) VCF-style: chr13-48955398-A-C.
Other names: short protein forms N505T.
Identifiers: ClinVar variation 950221 (VCV000950221.14), dbSNP rs1948533141, ClinGen allele CA388163314.
Genomic context (GRCh38, chr13:48,381,262, plus strand): 5'-AGGGTTAATATTTCATAAATAGTTACTTTTTTTTTTCATTTTTAGGAAGTACATCTCAGA[A>C]TCTTGATTCTGGAACAGATTTGTCTTTCCCATGGATTCTGAATGTGCTTAATTTAAAAGC-3'
Protein context (NP_000312.2, residues 495-515): MATYSRSTSQ[Asn505Thr]LDSGTDLSFP